The following is an entry in ClinVar:

NM_005188.4(CBL):c.1226A>C (p.Gln409Pro)

Gene: CBL (Cbl proto-oncogene; plus strand). Cytogenetic location: 11q23.3.
Variant type: single nucleotide variant.
Coding change: c.1226A>C on transcript NM_005188.4 (MANE Select); coding-DNA position 1226, A replaced by C.
Protein change: p.Gln409Pro; replaces glutamine 409 with proline.
Molecular consequence: missense variant.
Genome position (GRCh38, 1-based): chr11:119,278,296, A>C. VCF-style: chr11-119278296-A-C. GRCh37 (hg19) VCF-style: chr11-119149006-A-C.
Other names: short protein forms Q409P.
Identifiers: ClinVar variation 4843622 (VCV004843622.1).

ClinVar aggregate classification (germline): Uncertain significance (1 of 4 stars; one submission).

Conditions:
Cardiovascular phenotype. Identifiers: MedGen CN230736.

Submission:

Ambry Genetics
Classification: Uncertain significance for Cardiovascular phenotype. Last evaluated: 2025-12-30. Review status: criteria provided, single submitter. Criteria: Ambry Variant Classification Scheme 2023. Collection method: clinical testing. Allele origin: germline.
Comment: The p.Q409P variant (also known as c.1226A>C), located in coding exon 8 of the CBL gene, results from an A to C substitution at nucleotide position 1226. The glutamine at codon 409 is replaced by proline, an amino acid with similar properties. This amino acid position is conserved. In addition, this alteration is predicted to be deleterious by in silico analysis. Based on the available evidence, the clinical significance of this variant remains unclear.